The following is an entry in ClinVar:

ClinVar aggregate classification (germline): Uncertain significance. Review status: criteria provided, multiple submitters, no conflicts (2 of 4 stars). 9 submissions from 5 submitters: Uncertain significance (8). 1 of the submissions does not count toward it. Last evaluated 2024-11-15.

Conditions:
SLC2A1-related disorder. Also called: SLC2A1-related condition; SLC2A1-related disorders.
Inborn genetic diseases. Identifiers: MedGen C0950123, MeSH D030342.
GLUT1 deficiency syndrome 1, autosomal recessive. Identifiers: MedGen C3149117.
Childhood onset GLUT1 deficiency syndrome 2. Also called: PAROXYSMAL EXERCISE-INDUCED DYSKINESIA WITH OR WITHOUT EPILEPSY AND/OR HEMOLYTIC ANEMIA; PAROXYSMAL EXERTION-INDUCED DYSTONIA WITH OR WITHOUT EPILEPSY AND/OR HEMOLYTIC ANEMIA; PED WITH OR WITHOUT EPILEPSY AND/OR HEMOLYTIC ANEMIA; GLUT1 deficiency syndrome 2; Paroxysmal exercise-induced dystonia; PxMD-SLC2A1. Identifiers: Orphanet 98811, MedGen C1842534, MONDO:0012805, OMIM 612126.
Encephalopathy due to GLUT1 deficiency. Also called: GLUCOSE TRANSPORT DEFECT, BLOOD-BRAIN BARRIER; Glucose transporter protein syndrome; De Vivo disease; GLUT1 deficiency syndrome 1; GLUT1 deficiency syndrome 1, infantile onset, severe; Classic Glucose Transporter Type 1 Deficiency Syndrome. Identifiers: Orphanet 71277, MedGen C4551966, MONDO:0011724, OMIM 606777.
Hereditary cryohydrocytosis with reduced stomatin. Also called: Stomatin-deficient cryohydrocytosis with neurologic defects; GLUT1 DEFICIENCY SYNDROME WITH PSEUDOHYPERKALEMIA AND HEMOLYSIS. Identifiers: Orphanet 168577, MedGen C1837206, MONDO:0012143, OMIM 608885.
Epilepsy, idiopathic generalized, susceptibility to, 12 (EIG12). Identifiers: MedGen C3553859, MONDO:0013919, OMIM 614847.
Dystonia 9 (DYT9). Also called: CHOREOATHETOSIS, KINESIGENIC, WITH EPISODIC ATAXIA AND SPASTICITY. Identifiers: Orphanet 53583, MedGen C1832855, MONDO:0010983, OMIM 601042.

Allele frequency attached by ClinVar (database versions not stated): gnomAD exomes below 0.00001 and 0.00001; gnomAD 0.00001; TOPMed 0.00001.
gnomAD v4.1: 15 of 1,613,988 alleles (0.00093%); highest among the groups gnomAD compares: Middle Eastern, 0.016%; no homozygotes.

Submissions (9):

Revvity Omics, Revvity
Classification: Uncertain significance. Last evaluated: 2024-11-15. Review status: criteria provided, single submitter. Criteria: ACMG Guidelines, 2015. Collection method: clinical testing. Allele origin: germline.

Labcorp Genetics (formerly Invitae), Labcorp
Classification: Uncertain significance for GLUT1 deficiency syndrome 1, autosomal recessive. Last evaluated: 2024-10-15. Review status: criteria provided, single submitter. Criteria: Invitae Variant Classification Sherloc (09022015). Collection method: clinical testing. Allele origin: germline.
Comment: This sequence change replaces glutamic acid, which is acidic and polar, with lysine, which is basic and polar, at codon 209 of the SLC2A1 protein (p.Glu209Lys). The frequency data for this variant in the population databases is considered unreliable, as metrics indicate poor data quality at this position in the gnomAD database. This missense change has been observed in individual(s) with idiopathic generalized epilepsy (internal data). It has also been observed to segregate with disease in related individuals. ClinVar contains an entry for this variant (Variation ID: 985976). Invitae Evidence Modeling incorporating data from in vitro experimental studies (internal data) indicates that this missense variant is not expected to disrupt SLC2A1 function with a negative predictive value of 95%. In summary, the available evidence is currently insufficient to determine the role of this variant in disease. Therefore, it has been classified as a Variant of Uncertain Significance.

Genome-Nilou Lab
Classification: Uncertain significance for Epilepsy, idiopathic generalized, susceptibility to, 12. Last evaluated: 2023-04-11. Review status: criteria provided, single submitter. Criteria: ACMG Guidelines, 2015. Collection method: clinical testing. Allele origin: germline. Affected: no.

Genome-Nilou Lab
Classification: Uncertain significance for Dystonia 9. Last evaluated: 2023-04-11. Review status: criteria provided, single submitter. Criteria: ACMG Guidelines, 2015. Collection method: clinical testing. Allele origin: germline. Affected: no.

Genome-Nilou Lab
Classification: Uncertain significance for Encephalopathy due to GLUT1 deficiency. Last evaluated: 2023-04-11. Review status: criteria provided, single submitter. Criteria: ACMG Guidelines, 2015. Collection method: clinical testing. Allele origin: germline. Affected: no.

Genome-Nilou Lab
Classification: Uncertain significance for Childhood onset GLUT1 deficiency syndrome 2. Last evaluated: 2023-04-11. Review status: criteria provided, single submitter. Criteria: ACMG Guidelines, 2015. Collection method: clinical testing. Allele origin: germline. Affected: no.

Genome-Nilou Lab
Classification: Uncertain significance for Hereditary cryohydrocytosis with reduced stomatin. Last evaluated: 2023-04-11. Review status: criteria provided, single submitter. Criteria: ACMG Guidelines, 2015. Collection method: clinical testing. Allele origin: germline. Affected: no.

Ambry Genetics
Classification: Uncertain significance for Inborn genetic diseases. Last evaluated: 2019-12-30. Review status: criteria provided, single submitter. Criteria: Ambry Variant Classification Scheme 2023. Collection method: clinical testing. Allele origin: germline.
Comment: The alteration results in an amino acid change:_x000D_ _x000D_ The c.625G>A (p.E209K) alteration is located in coding exon 5 of the SLC2A1 gene. This alteration results from a G to A substitution at nucleotide position 625, causing the glutamic acid (E) at amino acid position 209 to be replaced by a lysine (K). The alteration is rare in population databases: _x000D_ _x000D_ Based on data from the Genome Aggregation Database (gnomAD), the c.625G>A alteration was observed in 0.0003978% (1/251406) of total alleles studied. An alteration at the same codon has been observed in affected individuals:_x000D_ _x000D_ A missense change in the same amino acid, p.E209D, has been reported in three patients from two families with epilepsy (Arsov, 2012; Epi4K consortium, 2017). However, functional studies have suggested the p.E209D variant is not pathogenic (Zaman, 2018). The altered amino acid is conserved throughout evolution:_x000D_ _x000D_ The p.E209 amino acid is conserved in most available vertebrate species. The alteration is predicted tolerated by in silico modeling:_x000D_ _x000D_ The p.E209K alteration is predicted to be tolerated by in silico analysis. Based on insufficient or conflicting evidence, the clinical significance of this alteration remains unclear.

PreventionGenetics, part of Exact Sciences
Classification: Uncertain significance for SLC2A1-related condition. Last evaluated: 2023-10-29. Review status: no assertion criteria provided. Collection method: clinical testing. Allele origin: germline. Not counted in ClinVar's aggregate classification.
Comment: The SLC2A1 c.625G>A variant is predicted to result in the amino acid substitution p.Glu209Lys. To our knowledge, this variant has not been reported in the literature. This variant is reported in 0.00088% of alleles in individuals of European (Non-Finnish) descent in gnomAD. An alternate nucleotide change affecting the same amino acid (p.Glu209Asp), has been reported in individuals with epilepsy (Arsov et al. 2012. PubMed ID: 23106342; Zaman et al. 2018. PubMed ID: 30588498). At this time, the clinical significance of this variant is uncertain due to the absence of conclusive functional and genetic evidence.

Literature cited by the submitters: PubMed 23106342 (cited by Ambry Genetics); PubMed 28102150 (cited by Ambry Genetics); PubMed 30588498 (cited by Ambry Genetics).

NM_006516.4(SLC2A1):c.625G>A (p.Glu209Lys)

Gene: SLC2A1 (solute carrier family 2 member 1; minus strand). Cytogenetic location: 1p34.2.
Variant type: single nucleotide variant.
Coding change: c.625G>A on transcript NM_006516.4 (MANE Select); coding-DNA position 625, G replaced by A.
Protein change: p.Glu209Lys; replaces glutamic acid 209 with lysine.
Molecular consequence: missense variant.
Genome position (GRCh38, 1-based): chr1:42,929,927, C>T on the plus strand (G>A on the coding strand, the complement: SLC2A1 is on the minus strand). VCF-style: chr1-42929927-C-T. GRCh37 (hg19) VCF-style: chr1-43395598-C-T.
Other names: c.625G>A (NM_006516.3); short protein forms E209K.
Identifiers: ClinVar variation 985976 (VCV000985976.17), dbSNP rs1387203768, ClinGen allele CA339958565.